The following is an entry in ClinVar:

NM_000465.4(BARD1):c.1903+1G>A

Gene: BARD1 (BRCA1 associated RING domain 1; minus strand). Cytogenetic location: 2q35.
Variant type: single nucleotide variant.
Coding change: c.1903+1G>A on transcript NM_000465.4 (MANE Select); the canonical splice donor site of the intron after coding-DNA position 1903, G replaced by A.
Molecular consequence: splice donor variant. On other transcripts: intron variant (1).
Genome position (GRCh38, 1-based): chr2:214,745,066, C>T on the plus strand (G>A on the coding strand, the complement: BARD1 is on the minus strand). VCF-style: chr2-214745066-C-T. GRCh37 (hg19) VCF-style: chr2-215609790-C-T.
Other names: c.493+1G>A (NM_001282548.2); c.1846+1G>A (NM_001282543.2); c.550+1G>A (NM_001282545.2); c.365-14558G>A (NM_001282549.2); c.1903+1G>A (NM_000465.3).
Identifiers: ClinVar variation 820310 (VCV000820310.44), dbSNP rs876660237, ClinGen allele CA350452042.
Genomic context (GRCh38, chr2:214,745,066, plus strand): 5'-TAACCATGAAAAACAAAACTAGTCTAATTCATTTCTTAATTCTCTCAAATCCAACACTTA[C>T]ATTCAAATTTTAGAATCCAGCATCCATTGAGAATCCCAAGCATACACTTCAAGGTACTTT-3'

ClinVar aggregate classification (germline): Pathogenic/Likely pathogenic. Review status: criteria provided, multiple submitters, no conflicts (2 of 4 stars). 6 submissions from 6 submitters: Pathogenic (1); Likely pathogenic (5). Last evaluated 2025-02-19.

Conditions:
Hereditary cancer-predisposing syndrome. Also called: Tumor predisposition; Hereditary neoplastic syndrome; Neoplastic Syndromes, Hereditary; Hereditary Cancer Syndrome. Identifiers: Orphanet 140162, MedGen C0027672, MeSH D009386, MONDO:0015356.
Familial cancer of breast. Also called: hereditary breast carcinoma; Hereditary breast cancer; BREAST CANCER, FAMILIAL. Identifiers: Orphanet 227535, MedGen C0346153, MONDO:0016419, OMIM 114480. Disease mechanism: loss of function.

Allele frequency attached by ClinVar (database versions not stated): gnomAD exomes below 0.00001.

Submissions (6):

Ambry Genetics
Classification: Likely pathogenic for Hereditary cancer-predisposing syndrome. Last evaluated: 2025-02-19. Review status: criteria provided, single submitter. Criteria: Ambry Variant Classification Scheme 2023. Collection method: clinical testing. Allele origin: germline.
Comment: The c.1903+1G>A intronic variant results from a G to A substitution one nucleotide after coding exon 9 of the BARD1 gene. Alterations that disrupt the canonical splice site are expected to result in aberrant splicing. In silico splice site analysis predicts that this alteration will weaken the native splice donor site. The resulting transcript is predicted to be in-frame and is not expected to trigger nonsense-mediated mRNAdecay; however, direct evidence is insufficient at this time (Ambry internal data). The exact functional effect of the altered amino acid sequence is unknown; however, the impacted region is critical for protein function (Ambry internal data). This nucleotide position is highly conserved in available vertebrate species. This variant is considered to be rare based on population cohorts in the Genome Aggregation Database (gnomAD). Based on the majority of available evidence to date, this variant is likely to be pathogenic.

Labcorp Genetics (formerly Invitae), Labcorp
Classification: Likely pathogenic for Familial cancer of breast. Last evaluated: 2024-08-27. Review status: criteria provided, single submitter. Criteria: Invitae Variant Classification Sherloc (09022015). Collection method: clinical testing. Allele origin: germline.
Comment: This sequence change affects a donor splice site in intron 9 of the BARD1 gene. RNA analysis indicates that disruption of this splice site induces altered splicing and may result in an absent or altered protein product. This variant is present in population databases (no rsID available, gnomAD 0.003%). This variant has not been reported in the literature in individuals affected with BARD1-related conditions. ClinVar contains an entry for this variant (Variation ID: 820310). Studies have shown that disruption of this splice site results in skipping of exons 8-9, and produces a non-functional protein and/or introduces a premature termination codon (internal data). In summary, the currently available evidence indicates that the variant is pathogenic, but additional data are needed to prove that conclusively. Therefore, this variant has been classified as Likely Pathogenic.

Myriad Genetics, Inc.
Classification: Likely pathogenic for Familial cancer of breast. Last evaluated: 2023-05-24. Review status: criteria provided, single submitter. Criteria: Myriad Autosomal Dominant, Autosomal Recessive and X-Linked Classification Criteria (2023). Collection method: clinical testing. Allele origin: unknown.
Comment: This variant is considered likely pathogenic. This variant occurs within a consensus splice junction and is predicted to result in abnormal mRNA splicing of either an out-of-frame exon or an in-frame exon necessary for protein stability and/or normal function.

CeGaT Center for Human Genetics Tuebingen
Classification: Likely pathogenic. Last evaluated: 2022-11-01. Review status: criteria provided, single submitter. Criteria: CeGaT Center For Human Genetics Tuebingen Variant Classification Criteria Version 2. Collection method: clinical testing. Allele origin: germline. Affected: yes. Observed: 1 variant allele.
Comment: BARD1: PVS1:Strong, PM2

Color Diagnostics, LLC DBA Color Health
Classification: Likely pathogenic for Hereditary cancer-predisposing syndrome. Last evaluated: 2022-05-10. Review status: criteria provided, single submitter. Criteria: ACMG Guidelines, 2015. Collection method: clinical testing. Allele origin: germline.
Comment: This variant causes a G to A nucleotide substitution at the +1 position of intron 9 of the BARD1 gene. Splice site prediction tools predict that this variant may have a significant impact on RNA splicing. Although the RNA splicing effect of this variant has not been reported, the skipping of the adjacent exon 9 is predicted to cause an in-frame deletion encompassing structural motifs in the BRCT domain that is required for the chromosome stability and homology-directed repair activities of the BARD1 protein (PMID: 17550235, 17848578). To our knowledge, functional studies have not been reported for this variant. This variant has not been reported in individuals affected with hereditary cancer in the literature. This variant has been identified in 1/251054 chromosomes in the general population by the Genome Aggregation Database (gnomAD). Loss of BARD1 function is a known mechanism of disease. Based on the available evidence, this variant is classified as Likely Pathogenic.

Department of Pathology and Laboratory Medicine, Sinai Health System
Classification: Pathogenic for Familial cancer of breast. Last evaluated: 2020-05-13. Review status: criteria provided, single submitter. Criteria: ACMG Guidelines, 2015. Collection method: clinical testing. Allele origin: germline. Affected: yes.

Literature cited by the submitters: PubMed 17550235 (cited by Color Diagnostics, LLC DBA Color Health); PubMed 17848578 (cited by Color Diagnostics, LLC DBA Color Health).